The following is an entry in ClinVar:

NM_001330195.2(NRXN3):c.1128C>A (p.Gly376=)

Gene: NRXN3 (neurexin 3; plus strand). Cytogenetic location: 14q24.3.
Variant type: single nucleotide variant.
Coding change: c.1128C>A on transcript NM_001330195.2 (MANE Select); coding-DNA position 1128, C replaced by A.
Protein change: p.Gly376=; no amino-acid change (glycine 376 retained).
Molecular consequence: synonymous variant. On other transcripts: non-coding transcript variant (4).
Genome position (GRCh38, 1-based): chr14:78,651,233, C>A. VCF-style: chr14-78651233-C-A. GRCh37 (hg19) VCF-style: chr14-79117576-C-A.
Other names: c.1128C>A, p.Gly376= (NM_001366425.1); c.1140C>A, p.Gly380= (NM_001366426.1); c.9C>A, p.Gly3= (NM_004796.6).
Identifiers: ClinVar variation 778516 (VCV000778516.29), dbSNP rs145345072, ClinGen allele CA7291568.

ClinVar aggregate classification (germline): Benign/Likely benign. Review status: criteria provided, multiple submitters, no conflicts (2 of 4 stars). 4 submissions from 4 submitters: Benign (2); Likely benign (2). Last evaluated 2026-02-01.

Allele frequency attached by ClinVar (database versions not stated): ESP Exome Variant Server 0.00169; ExAC 0.00259; gnomAD 0.00262 and 0.00276; gnomAD exomes 0.00269 and 0.00275; TOPMed 0.00280; 1000 Genomes Project 30x 0.00281; 1000 Genomes Project 0.00319.
gnomAD v4.1: 4,430 of 1,614,028 alleles (0.27%); highest among the groups gnomAD compares: Middle Eastern, 1.7%; 17 homozygotes.

Submissions (4):

CeGaT Center for Human Genetics Tuebingen
Classification: Likely benign. Last evaluated: 2026-02-01. Review status: criteria provided, single submitter. Criteria: CeGaT Center For Human Genetics Tuebingen Variant Classification Criteria Version 2. Collection method: clinical testing. Allele origin: germline. Affected: yes. Observed: 7 variant alleles.
Comment: NRXN3: BP4, BS2

Blueprint Genetics
Classification: Likely benign. Last evaluated: 2024-11-22. Review status: criteria provided, single submitter. Criteria: ACMG Guidelines, 2015. Collection method: clinical testing. Allele origin: germline.

Labcorp Genetics (formerly Invitae), Labcorp
Classification: Benign. Last evaluated: 2019-12-31. Review status: criteria provided, single submitter. Criteria: Invitae Variant Classification Sherloc (09022015). Collection method: clinical testing. Allele origin: germline.

Breakthrough Genomics
Classification: Benign. Review status: criteria provided, single submitter. Criteria: ACMG Guidelines, 2015. Collection method: not provided. Allele origin: germline. Inheritance: Unknown mechanism. Affected: yes.